The following is an entry in ClinVar:

NM_001046.3(SLC12A2):c.190G>A (p.Ala64Thr)

Genes: SLC12A2 (solute carrier family 12 member 2; plus strand), LOC129994526 (ATAC-STARR-seq lymphoblastoid silent region 16295; plus strand). Cytogenetic location: 5q23.3.
Variant type: single nucleotide variant.
Coding change: c.190G>A on transcript NM_001046.3 (MANE Select); coding-DNA position 190, G replaced by A.
Protein change: p.Ala64Thr; replaces alanine 64 with threonine.
Molecular consequence: missense variant. On other transcripts: non-coding transcript variant (1).
Genome position (GRCh38, 1-based): chr5:128,084,144, G>A. VCF-style: chr5-128084144-G-A. GRCh37 (hg19) VCF-style: chr5-127419836-G-A.
Other names: c.190G>A, p.Ala64Thr (NM_001256461.2); short protein forms A64T.
Identifiers: ClinVar variation 2019183 (VCV002019183.4), dbSNP rs2480684115, ClinGen allele CA360735984.
Genomic context (GRCh38, chr5:128,084,144, plus strand): 5'-GAGGATGCTGCGCCCGCGAGCCGGGACGGCGGCGGGGTCCGCGATGAGGGCCCCGCGGCG[G>A]CCGGGGACGGGCTGGGCAGACCCTTGGGGCCCACCCCGAGCCAGAGCCGTTTCCAGGTGG-3'
Protein context (NP_001037.1, residues 54-74): GGVRDEGPAA[Ala64Thr]GDGLGRPLGP

ClinVar aggregate classification (germline): Uncertain significance (1 of 4 stars; one submission).

Allele frequency attached by ClinVar (database versions not stated): gnomAD exomes below 0.00001.
gnomAD v4.1: 4 of 1,295,210 alleles (0.00031%); highest among the groups gnomAD compares: Middle Eastern, 0.03%; no homozygotes.

Submission:

Labcorp Genetics (formerly Invitae), Labcorp
Classification: Uncertain significance. Last evaluated: 2022-09-01. Review status: criteria provided, single submitter. Criteria: Invitae Variant Classification Sherloc (09022015). Collection method: clinical testing. Allele origin: germline.
Comment: This variant has not been reported in the literature in individuals affected with SLC12A2-related conditions. In summary, the available evidence is currently insufficient to determine the role of this variant in disease. Therefore, it has been classified as a Variant of Uncertain Significance. Advanced modeling of protein sequence and biophysical properties (such as structural, functional, and spatial information, amino acid conservation, physicochemical variation, residue mobility, and thermodynamic stability) performed at Invitae indicates that this missense variant is not expected to disrupt SLC12A2 protein function. This variant is not present in population databases (gnomAD no frequency). This sequence change replaces alanine, which is neutral and non-polar, with threonine, which is neutral and polar, at codon 64 of the SLC12A2 protein (p.Ala64Thr).